The following is an entry in ClinVar:

ClinVar aggregate classification (germline): Likely pathogenic (1 of 4 stars; one submission).

Conditions:
Cardiovascular phenotype. Identifiers: MedGen CN230736.

Submission:

Ambry Genetics
Classification: Likely pathogenic for Cardiovascular phenotype. Last evaluated: 2021-03-08. Review status: criteria provided, single submitter. Criteria: Ambry Variant Classification Scheme 2023. Collection method: clinical testing. Allele origin: germline.
Comment: The c.53133delA variant, located in coding exon 153 of the TTN gene, results from a deletion of one nucleotide at nucleotide position 53133, causing a translational frameshift with a predicted alternate stop codon (p.A17712Lfs*67). This exon is located in the A-band region of the N2-B isoform of the titin protein and is constitutively expressed in TTN transcripts (percent spliced in or PSI 100%). This alteration is expected to result in loss of function by premature protein truncation or nonsense-mediated mRNA decay. While truncating variants in TTN are present in 1-3% of the general population, truncating variants in the A-band are the most common cause of dilated cardiomyopathy (DCM) (Herman DS et al. N. Engl. J. Med., 2012 Feb;366:619-28; Roberts AM et al. Sci Transl Med, 2015 Jan;7:270ra6). TTN truncating variants encoded in constitutive exons (PSI >90%) have been found to be significantly associated with DCM regardless of their position in titin (Schafer S et al. Nat. Genet., 2017 01;49:46-53). As such, this alteration is classified as likely pathogenic.

NM_001267550.2(TTN):c.80328del (p.Ala26777fs)

Genes: TTN (titin; minus strand), TTN-AS1 (TTN antisense RNA 1; plus strand). Cytogenetic location: 2q31.2.
Variant type: Deletion.
Coding change: c.80328del on transcript NM_001267550.2 (MANE Select); coding-DNA position 80328, one base deleted (A; older notation c.80328delA).
Protein change: p.Ala26777fs; shifts the reading frame from alanine 26777.
Molecular consequence: frameshift variant.
Genome position (GRCh38, 1-based): chr2:178,565,804, T deleted on the plus strand (A on the coding strand, the reverse complement: TTN is on the minus strand); the first of 3 consecutive T bases (chr2:178,565,804-178,565,806); deleting any one gives the same sequence. VCF-style (leftmost placement, unchanged base first): chr2-178565803-CT-C. GRCh37 (hg19) VCF-style: chr2-179430530-CT-C.
Other names: c.75405del, p.Ala25136fs (NM_001256850.1); c.53133del, p.Ala17712fs (NM_003319.4); c.72624del, p.Ala24209fs (NM_133378.4); c.53508del, p.Ala17837fs (NM_133432.3); c.53709del, p.Ala17904fs (NM_133437.4); c.53133delA (NM_003319.4); short protein forms A17712fs, A17837fs, A17904fs, A24209fs, A26777fs, A25136fs.
Identifiers: ClinVar variation 1746776 (VCV001746776.2), dbSNP rs2468261203, ClinGen allele CA2580064831.